The following is an entry in ClinVar:

ClinVar aggregate classification (germline): Uncertain significance (1 of 4 stars; one submission).

Submission:

GeneDx
Classification: Uncertain significance. Last evaluated: 2025-07-11. Review status: criteria provided, single submitter. Criteria: GeneDx Variant Classification Process June 2021. Collection method: clinical testing. Allele origin: germline. Affected: yes.
Comment: Not observed at significant frequency in large population cohorts (gnomAD); In silico analysis suggests that this missense variant does not alter protein structure/function; Has not been previously published as pathogenic or benign to our knowledge

NM_001386298.1(CIC):c.6391G>A (p.Glu2131Lys)

Gene: CIC (capicua transcriptional repressor; plus strand). Cytogenetic location: 19q13.2.
Variant type: single nucleotide variant.
Coding change: c.6391G>A on transcript NM_001386298.1 (MANE Select); coding-DNA position 6391, G replaced by A.
Protein change: p.Glu2131Lys; replaces glutamic acid 2131 with lysine.
Molecular consequence: missense variant.
Genome position (GRCh38, 1-based): chr19:42,293,150, G>A. VCF-style: chr19-42293150-G-A. GRCh37 (hg19) VCF-style: chr19-42797302-G-A.
Other names: c.6391G>A, p.Glu2131Lys (NM_001304815.2, NM_001379482.1, NM_001439183.1 and 2 more transcripts); c.6388G>A, p.Glu2130Lys (NM_001379480.1, NM_001439184.1, NM_001439185.1 and 1 more transcripts); c.3664G>A, p.Glu1222Lys (NM_001379484.1, NM_001379485.1, NM_001439190.1 and 1 more transcripts); c.3661G>A, p.Glu1221Lys (NM_001439189.1, NM_001439191.1); short protein forms E1221K, E1222K, E2130K, E2131K.
Identifiers: ClinVar variation 4685348 (VCV004685348.1).